The following is an entry in ClinVar:

NM_174936.4(PCSK9):c.1473G>T (p.Arg491Ser)

Gene: PCSK9 (proprotein convertase subtilisin/kexin type 9; plus strand). Cytogenetic location: 1p32.3.
Variant type: single nucleotide variant.
Coding change: c.1473G>T on transcript NM_174936.4 (MANE Select); coding-DNA position 1473, G replaced by T.
Protein change: p.Arg491Ser; replaces arginine 491 with serine.
Molecular consequence: missense variant.
Genome position (GRCh38, 1-based): chr1:55,058,617, G>T. VCF-style: chr1-55058617-G-T. GRCh37 (hg19) VCF-style: chr1-55524290-G-T.
Other names: c.1596G>T, p.Arg532Ser (NM_001407240.1); c.1473G>T, p.Arg491Ser (NM_001407241.1); c.1476G>T, p.Arg492Ser (NM_001407242.1); c.1416G>T, p.Arg472Ser (NM_001407243.1); c.1299G>T, p.Arg433Ser (NM_001407244.1); c.1281G>T, p.Arg427Ser (NM_001407245.1); c.1098G>T, p.Arg366Ser (NM_001407246.1); short protein forms R433S, R532S, R491S, R492S, R366S, R427S, R472S.
Identifiers: ClinVar variation 1773417 (VCV001773417.5), dbSNP rs995013832, ClinGen allele CA22764625.
Genomic context (GRCh38, chr1:55,058,617, plus strand): 5'-CACAGCCGTCGCCCGCTGCGCCCCAGATGAGGAGCTGCTGAGCTGCTCCAGTTTCTCCAG[G>T]AGTGGGAAGCGGCGGGGCGAGCGCATGGAGGTGACTGTACCCCTCCTTCGTGTGTGTGTG-3'
Protein context (NP_777596.2, residues 481-501): EELLSCSSFS[Arg491Ser]SGKRRGERME

ClinVar aggregate classification (germline): Uncertain significance. Review status: criteria provided, multiple submitters, no conflicts (2 of 4 stars). 3 submissions from 3 submitters: Uncertain significance (3). Last evaluated 2025-07-09.

Conditions:
Cardiovascular phenotype. Identifiers: MedGen CN230736.
Hypercholesterolemia, autosomal dominant, 3 (FHCL3). Also called: Familial Hypercholesterolemia, Autosomal Dominant, 3; PCSK9-Related Familial Hypercholesterolemia, Autosomal Dominant; Familial hypercholesterolemia 3. Identifiers: MedGen C1863551, MONDO:0011369, OMIM 603776.

Allele frequency attached by ClinVar (database versions not stated): gnomAD exomes below 0.00001; gnomAD 0.00001; TOPMed 0.00003.

Submissions (3):

Ambry Genetics
Classification: Uncertain significance for Cardiovascular phenotype. Last evaluated: 2025-07-09. Review status: criteria provided, single submitter. Criteria: Ambry Variant Classification Scheme 2023. Collection method: clinical testing. Allele origin: germline.
Comment: The p.R491S variant (also known as c.1473G>T), located in coding exon 9 of the PCSK9 gene, results from a G to T substitution at nucleotide position 1473. The arginine at codon 491 is replaced by serine, an amino acid with dissimilar properties. This amino acid position is conserved. In addition, this alteration is predicted to be tolerated by in silico analysis. Since supporting evidence is limited at this time, the clinical significance of this alteration remains unclear.

All of Us Research Program, National Institutes of Health
Classification: Uncertain significance for Hypercholesterolemia, autosomal dominant, 3. Last evaluated: 2023-12-18. Review status: criteria provided, single submitter. Criteria: ACMG Guidelines, 2015. Collection method: clinical testing. Allele origin: germline. Inheritance: Autosomal dominant inheritance. Observed: 1 variant allele, 1 heterozygote.
Comment: This missense variant replaces arginine with serine at codon 491 of the PCSK9 protein. Computational prediction tools indicate that this variant has a neutral impact on protein structure and function. To our knowledge, functional studies have not been reported for this variant. This variant has not been reported in individuals affected with PCSK9-related disorders in the literature. This variant has been identified in 1/250374 chromosomes in the general population by the Genome Aggregation Database (gnomAD). The available evidence is insufficient to determine the role of this variant in disease conclusively. Therefore, this variant is classified as a Variant of Uncertain Significance.

This study involves interpretation of variants in research participants for the purpose of population health screening. Participant phenotype was not available at the time of variant classification. Additional details can be found in publication PMID: 35346344, PMCID: PMC8962531

Quest Diagnostics Nichols Institute San Juan Capistrano
Classification: Uncertain significance. Last evaluated: 2023-04-11. Review status: criteria provided, single submitter. Criteria: Quest Diagnostics criteria. Collection method: clinical testing. Allele origin: unknown.
Comment: The variant has not been reported in the published literature. The frequency of this variant in the general population, 0.000004 (1/250374 chromosomes), is uninformative in assessment of its pathogenicity. Analysis of this variant using bioinformatics tools for the prediction of the effect of amino acid changes on protein structure and function yielded predictions that this variant is benign. Based on the available information, we are unable to determine the clinical significance of this variant.